The following is an entry in ClinVar:

NM_014727.3(KMT2B):c.5636dup (p.Val1880fs)

Gene: KMT2B (lysine methyltransferase 2B; plus strand). Cytogenetic location: 19q13.12.
Variant type: Duplication.
Coding change: c.5636dup on transcript NM_014727.3 (MANE Select); coding-DNA position 5636, one base duplicated (G; older notation c.5636dupG).
Protein change: p.Val1880fs; shifts the reading frame from valine 1880.
Molecular consequence: frameshift variant.
Genome position (GRCh38, 1-based): chr19:35,732,106, G duplicated; the last of 6 consecutive G bases (chr19:35,732,101-35,732,106); duplicating any one gives the same sequence. VCF-style (leftmost placement, unchanged base first): chr19-35732100-T-TG. GRCh37 (hg19) VCF-style: chr19-36223001-T-TG.
Other names: short protein forms V1880fs.
Identifiers: ClinVar variation 4891272 (VCV004891272.1).

ClinVar aggregate classification (germline): Pathogenic (1 of 4 stars; one submission).

Conditions:
Dystonia 28, childhood-onset (DYT28). Also called: KMT2B-Related Dystonia (DYT-KMT2B). Identifiers: Orphanet 589618, MedGen C4310633, MONDO:0015004, OMIM 617284.

Submission:

Clinical Genetics Laboratory, University Hospital Schleswig-Holstein
Classification: Pathogenic for Dystonia 28, childhood-onset. Last evaluated: 2025-11-10. Review status: criteria provided, single submitter. Criteria: ACMG Guidelines, 2015. Collection method: clinical testing. Allele origin: de novo. Affected: yes. Observed: 1 heterozygote.
Comment: ACMG criteria applied: PM2, PVS1, PS2